The following is an entry in ClinVar:

NM_001267550.2(TTN):c.17871A>T (p.Gln5957His)

Gene: TTN (titin; minus strand). Cytogenetic location: 2q31.2.
Variant type: single nucleotide variant.
Coding change: c.17871A>T on transcript NM_001267550.2 (MANE Select); coding-DNA position 17871, A replaced by T.
Protein change: p.Gln5957His; replaces glutamine 5957 with histidine.
Molecular consequence: missense variant. On other transcripts: intron variant (3).
Genome position (GRCh38, 1-based): chr2:178,730,662, T>A on the plus strand (A>T on the coding strand, the complement: TTN is on the minus strand). VCF-style: chr2-178730662-T-A. GRCh37 (hg19) VCF-style: chr2-179595389-T-A.
Other names: p.Q5640H:CAA>CAT; p.Gln4713His; c.16920A>T, p.Gln5640His (NM_001256850.1); c.14139A>T, p.Gln4713His (NM_133378.4); c.13282+7420A>T (NM_003319.4); c.13858+7420A>T (NM_133437.4); c.13657+7420A>T (NM_133432.3); short protein forms Q5640H, Q5957H, Q4713H.
Identifiers: ClinVar variation 203264 (VCV000203264.64), dbSNP rs181067357, ClinGen allele CA311856.

ClinVar aggregate classification (germline): Conflicting classifications of pathogenicity. Review status: criteria provided, conflicting classifications (1 of 4 stars). 20 submissions from 16 submitters: Uncertain significance (9); Benign (3); Likely benign (5). 3 of the submissions do not count toward it. Last evaluated 2026-03-03.

Conditions:
Early-onset myopathy with fatal cardiomyopathy (CMYO5). Also called: Salih Myopathy; CONGENITAL MYOPATHY 5 WITH CARDIOMYOPATHY. Identifiers: Orphanet 289377, MedGen C2673677, MONDO:0012714, OMIM 611705. Disease mechanism: loss of function.
Hypertrophic cardiomyopathy 9. Also called: Familial hypertrophic cardiomyopathy 9. Identifiers: MedGen C1861065, MONDO:0013412, OMIM 613765.
TTN-related disorder. Also called: TTN-related condition; TTN-related disease; TTN-related disorders.
Autosomal recessive limb-girdle muscular dystrophy type 2J (LGMDR10). Also called: Limb-girdle muscular dystrophy, type 2J; MUSCULAR DYSTROPHY, LIMB-GIRDLE, AUTOSOMAL RECESSIVE 10. Identifiers: Orphanet 140922, MedGen C1837342, MONDO:0012127, OMIM 608807.
Dilated cardiomyopathy 1G (CMD1G). Identifiers: Orphanet 154, MedGen C1858763, MONDO:0011400, OMIM 604145.
Cardiomyopathy (CMYO). Also called: Cardiomyopathies. Identifiers: Orphanet 167848, MedGen C0878544, MONDO:0004994, HP:0001638. Inheritance: Various modes of inheritance.
Myopathy, myofibrillar, 9, with early respiratory failure (MFM9). Also called: EDSTROM MYOPATHY; MYOPATHY, PROXIMAL, WITH EARLY RESPIRATORY MUSCLE INVOLVEMENT; Myopathy, distal, with early respiratory failure, autosomal dominant; Hereditary myopathy with early respiratory failure. Identifiers: Orphanet 178464, Orphanet 34521, MedGen C1863599, MONDO:0011362, OMIM 603689.
Tibial muscular dystrophy (TMD). Also called: Tibial muscular dystrophy, tardive; UDD MYOPATHY; Udd Distal Myopathy – Tibial Muscular Dystrophy. Identifiers: Orphanet 609, MedGen C1838244, MONDO:0010870, OMIM 600334.

Allele frequency attached by ClinVar (database versions not stated): gnomAD exomes 0.00018 and 0.00024; TOPMed 0.00018; gnomAD 0.00019 and 0.00020; ExAC 0.00023; 1000 Genomes Project 30x 0.00031; ESP Exome Variant Server 0.00033.
gnomAD v4.1: 303 of 1,613,706 alleles (0.019%); highest among the groups gnomAD compares: Non-Finnish European, 0.02%; no homozygotes.

Submissions (20):

Women's Health and Genetics/Laboratory Corporation of America, LabCorp
Classification: Uncertain significance. Last evaluated: 2026-03-03. Review status: criteria provided, single submitter. Criteria: LabCorp Variant Classification Summary - May 2015. Collection method: clinical testing. Allele origin: germline.
Comment: Variant summary: TTN c.14139A>T (p.Gln4713His) results in a non-conservative amino acid change in the encoded protein sequence. Algorithms developed to predict the effect of missense changes on protein structure and function are either unavailable or do not agree on the potential impact of this missense change. The variant allele was found at a frequency of 0.00024 in 247974 control chromosomes. This frequency is not significantly higher than estimated for disease-causing variants in TTN, allowing no conclusion about variant significance. c.14139A>T has been observed in individuals affected with Cardiomyopathy without strong evidence for causality (e.g. Guelly_2021, Kostareva_2016, Franaszczyk_2017, Fomin_2021). These reports do not provide unequivocal conclusions about association of the variant with Dilated Cardiomyopathy or other TTN-related conditions. To our knowledge, no experimental evidence demonstrating an impact on protein function has been reported. The following publications have been ascertained in the context of this evaluation (PMID: 34731013, 28045975, 33552729, 27662471). ClinVar contains an entry for this variant (Variation ID: 203264). Based on the evidence outlined above, the variant was classified as uncertain significance.

Clinical Genomics Laboratory, Washington University in St. Louis
Classification: Uncertain significance for Early-onset myopathy with fatal cardiomyopathy; Hypertrophic cardiomyopathy 9. Last evaluated: 2025-11-21. Review status: criteria provided, single submitter. Criteria: ACMG Guidelines, 2015. Collection method: clinical testing. Allele origin: germline.
Comment: A TTN c.17871A>T (p.Gln5957His) variant was identified in a heterozygous state. To our knowledge, this variant has not been reported in the medical literature, but has been reported in the ClinVar database as a germline variant of uncertain significance by eight submitters, benign by three submitters and likely benign by three submitters (ClinVar variation ID: 203264). It is observed in 303/1,613,706 alleles in the general population (gnomAD v4.1.0). This variant is present in the N2BA cardiac long isoform and N2A skeletal long isoform. This is a missense variant located in the I-Band that provides elastic properties and lies in exon 61. This exon has a moderate percentage/proportion spliced-in (PSI 0.15 to 0.9), which means it is not highly incorporated into the final transcript. These exons contain 50% of all TTN truncating variants identified in control cohorts and are associated with normal cardiac morphology and function, with unclear implications for DCM (Roberts AM et al., PMID: 25589632). Computational predictors are uncertain as to the impact of this variant on TTN function. Due to limited information, and based on ACMG/AMP guidelines for variant interpretation (Richards S et al., PMID: 25741868), the clinical significance of this variant is uncertain at this time.

Molecular Diagnostic Laboratory for Inherited Cardiovascular Disease, Montreal Heart Institute
Classification: Likely benign. Last evaluated: 2025-04-09. Review status: criteria provided, single submitter. Criteria: ACMG Guidelines, 2015. Collection method: clinical testing. Allele origin: germline. Affected: no.

CeGaT Center for Human Genetics Tuebingen
Classification: Likely benign. Last evaluated: 2025-02-01. Review status: criteria provided, single submitter. Criteria: CeGaT Center For Human Genetics Tuebingen Variant Classification Criteria Version 2. Collection method: clinical testing. Allele origin: germline. Affected: yes. Observed: 9 variant alleles.
Comment: TTN: BP4, BS1

Blueprint Genetics
Classification: Likely benign. Last evaluated: 2024-11-08. Review status: criteria provided, single submitter. Criteria: ACMG Guidelines, 2015. Collection method: clinical testing. Allele origin: germline.

PreventionGenetics, part of Exact Sciences
Classification: Likely benign for TTN-related condition. Last evaluated: 2024-11-03. Review status: criteria provided, single submitter. Criteria: ACMG Guidelines, 2015. Collection method: clinical testing. Allele origin: germline.
Comment: This variant is classified as likely benign based on ACMG/AMP sequence variant interpretation guidelines (Richards et al. 2015 PMID: 25741868, with internal and published modifications).

Mayo Clinic Laboratories, Mayo Clinic
Classification: Uncertain significance. Last evaluated: 2022-03-17. Review status: criteria provided, single submitter. Criteria: ACMG Guidelines, 2015. Collection method: clinical testing. Allele origin: germline. Observed: 1 variant allele.

Revvity Omics, Revvity
Classification: Uncertain significance. Last evaluated: 2020-09-15. Review status: criteria provided, single submitter. Criteria: ACMG Guidelines, 2015. Collection method: clinical testing. Allele origin: germline.

Center for Advanced Laboratory Medicine, UC San Diego Health, University of California San Diego
Classification: Likely benign for Cardiomyopathy. Last evaluated: 2019-01-10. Review status: criteria provided, single submitter. Criteria: ACMG Guidelines, 2015. Collection method: clinical testing. Allele origin: germline. Affected: yes. Observed: 1 variant allele.

CHEO Genetics Diagnostic Laboratory, Children's Hospital of Eastern Ontario
Classification: Benign for Cardiomyopathy. Last evaluated: 2018-05-30. Review status: criteria provided, single submitter. Criteria: ACMG Guidelines, 2015. Collection method: clinical testing. Allele origin: germline.

Illumina Laboratory Services, Illumina
Classification: Benign for Tibial muscular dystrophy. Last evaluated: 2018-01-12. Review status: criteria provided, single submitter. Criteria: ICSL Variant Classification Criteria 13 December 2019. Collection method: clinical testing. Allele origin: germline.
Comment: This variant was observed in the ICSL laboratory as part of a predisposition screen in an ostensibly healthy population. It had not been previously curated by ICSL or reported in the Human Gene Mutation Database (HGMD: prior to June 1st, 2018), and was therefore a candidate for classification through an automated scoring system. Utilizing variant allele frequency, disease prevalence and penetrance estimates, and inheritance mode, an automated score was calculated to assess if this variant is too frequent to cause the disease. Based on the score and internal cut-off values, a variant classified as benign is not then subjected to further curation. The score for this variant resulted in a classification of benign for this disease.

Illumina Laboratory Services, Illumina
Classification: Uncertain significance for Early-onset myopathy with fatal cardiomyopathy. Last evaluated: 2018-01-12. Review status: criteria provided, single submitter. Criteria: ICSL Variant Classification Criteria 13 December 2019. Collection method: clinical testing. Allele origin: germline.

Illumina Laboratory Services, Illumina
Classification: Uncertain significance for Dilated cardiomyopathy 1G. Last evaluated: 2018-01-12. Review status: criteria provided, single submitter. Criteria: ICSL Variant Classification Criteria 13 December 2019. Collection method: clinical testing. Allele origin: germline.

Illumina Laboratory Services, Illumina
Classification: Uncertain significance for Autosomal recessive limb-girdle muscular dystrophy type 2J. Last evaluated: 2018-01-12. Review status: criteria provided, single submitter. Criteria: ICSL Variant Classification Criteria 13 December 2019. Collection method: clinical testing. Allele origin: germline.

Illumina Laboratory Services, Illumina
Classification: Benign for Myopathy, myofibrillar, 9, with early respiratory failure. Last evaluated: 2018-01-12. Review status: criteria provided, single submitter. Criteria: ICSL Variant Classification Criteria 13 December 2019. Collection method: clinical testing. Allele origin: germline.
Comment: the same text as in the submission from Illumina Laboratory Services, Illumina above.

Labcorp Genetics (formerly Invitae), Labcorp
Classification: Uncertain significance for Dilated cardiomyopathy 1G; Autosomal recessive limb-girdle muscular dystrophy type 2J. Last evaluated: 2017-08-15. Review status: criteria provided, single submitter. Criteria: Invitae Variant Classification Sherloc (09022015). Collection method: clinical testing. Allele origin: germline.

Eurofins Ntd Llc (ga)
Classification: Uncertain significance. Last evaluated: 2015-09-04. Review status: criteria provided, single submitter. Criteria: EGL Classification Definitions 2015. Collection method: clinical testing. Allele origin: germline. Observed: 4 variant alleles, 4 heterozygotes.

GeneDx
No classification provided. Last evaluated: 2014-07-15. Review status: no classification provided. Criteria: GeneDx Variant Classification (06012015). Collection method: clinical testing. Allele origin: germline. Affected: yes. Not counted in ClinVar's aggregate classification.
Comment: Missense variants in the TTN gene are considered 'unclassified' if they are not previously reported in the literature and do not have >1% frequency in the population to be considered a polymorphism. Research indicates that truncating mutations in the TTN gene are expected to account for approximately 25% of familial and 18% of sporadic idiopathic DCM; however, truncating variants in the TTN gene have been reported in approximately 3% of reported control alleles. There has been little investigation into non-truncating variants. (Herman D et al. Truncations of titin causing dilated cardiomyopathy. N Eng J Med 366:619-628, 2012) The variant is found in DCM,CARDIOMYOPATHY panel(s).

Clinical Genetics, Academic Medical Center
Classification: Uncertain significance. Review status: no assertion criteria provided. Collection method: clinical testing. Allele origin: germline. Affected: yes. Study: VKGL Data-share Consensus. Not counted in ClinVar's aggregate classification.

Joint Genome Diagnostic Labs from Nijmegen and Maastricht, Radboudumc and MUMC+
Classification: Uncertain significance. Review status: no assertion criteria provided. Collection method: clinical testing. Allele origin: germline. Affected: yes. Study: VKGL Data-share Consensus. Not counted in ClinVar's aggregate classification.

Literature cited by the submitters: PubMed 27662471 (cited by Women's Health and Genetics/Laboratory Corporation of America, LabCorp); PubMed 28045975 (cited by Women's Health and Genetics/Laboratory Corporation of America, LabCorp); PubMed 33552729 (cited by Women's Health and Genetics/Laboratory Corporation of America, LabCorp); PubMed 34731013 (cited by Women's Health and Genetics/Laboratory Corporation of America, LabCorp); uncertain (cited by Clinical Genomics Laboratory, Washington University in St. Louis).